The following is an entry in ClinVar:

NM_001845.6(COL4A1):c.3920T>C (p.Met1307Thr)

Gene: COL4A1 (collagen type IV alpha 1 chain; minus strand). Cytogenetic location: 13q34.
Variant type: single nucleotide variant.
Coding change: c.3920T>C on transcript NM_001845.6 (MANE Select); coding-DNA position 3920, T replaced by C.
Protein change: p.Met1307Thr; replaces methionine 1307 with threonine.
Molecular consequence: missense variant.
Genome position (GRCh38, 1-based): chr13:110,167,187, A>G on the plus strand (T>C on the coding strand, the complement: COL4A1 is on the minus strand). VCF-style: chr13-110167187-A-G. GRCh37 (hg19) VCF-style: chr13-110819534-A-G.
Other names: short protein forms M1307T.
Identifiers: ClinVar variation 4701750 (VCV004701750.1).

ClinVar aggregate classification (germline): Uncertain significance (1 of 4 stars; one submission).

Submission:

Labcorp Genetics (formerly Invitae), Labcorp
Classification: Uncertain significance. Last evaluated: 2025-08-27. Review status: criteria provided, single submitter. Criteria: Invitae Variant Classification Sherloc (09022015). Collection method: clinical testing. Allele origin: germline.
Comment: This sequence change replaces methionine, which is neutral and non-polar, with threonine, which is neutral and polar, at codon 1307 of the COL4A1 protein (p.Met1307Thr). This variant is present in population databases (rs764956115, gnomAD 0.0009%). This variant has not been reported in the literature in individuals affected with COL4A1-related conditions. Invitae Evidence Modeling of protein sequence and biophysical properties (such as structural, functional, and spatial information, amino acid conservation, physicochemical variation, residue mobility, and thermodynamic stability) indicates that this missense variant is not expected to disrupt COL4A1 protein function with a negative predictive value of 95%. In summary, the available evidence is currently insufficient to determine the role of this variant in disease. Therefore, it has been classified as a Variant of Uncertain Significance.